The following is an entry in ClinVar:

ClinVar aggregate classification (germline): Uncertain significance. Review status: criteria provided, multiple submitters, no conflicts (2 of 4 stars). 2 submissions from 2 submitters: Uncertain significance (2). Last evaluated 2024-11-04.

Conditions:
CBL-related disorder. Also called: NOONAN SYNDROME-LIKE DISORDER WITHOUT JUVENILE MYELOMONOCYTIC LEUKEMIA; CBL MUTATION-ASSOCIATED SYNDROME; CBL SYNDROME. Identifiers: Orphanet 363972, MedGen C3150803, MONDO:0013308, OMIM 613563.
RASopathy. Also called: Noonan spectrum disorder; rasopathies. Identifiers: Orphanet 536391, MedGen C5555857, MONDO:0021060.

Submissions (2):

Labcorp Genetics (formerly Invitae), Labcorp
Classification: Uncertain significance for RASopathy. Last evaluated: 2024-11-04. Review status: criteria provided, single submitter. Criteria: Invitae Variant Classification Sherloc (09022015). Collection method: clinical testing. Allele origin: germline.
Comment: This sequence change creates a premature translational stop signal (p.Ile664Serfs*38) in the CBL gene. It is expected to result in an absent or disrupted protein product. However, the current clinical and genetic evidence is not sufficient to establish whether loss-of-function variants in CBL cause disease. This variant is not present in population databases (gnomAD no frequency). This variant has not been reported in the literature in individuals affected with CBL-related conditions. ClinVar contains an entry for this variant (Variation ID: 2632695). In summary, the available evidence is currently insufficient to determine the role of this variant in disease. Therefore, it has been classified as a Variant of Uncertain Significance.

PreventionGenetics, part of Exact Sciences
Classification: Uncertain significance for CBL-related condition. Last evaluated: 2023-07-04. Review status: criteria provided, single submitter. Criteria: ACMG Guidelines, 2015. Collection method: clinical testing. Allele origin: germline.
Comment: The CBL c.1986delC variant is predicted to result in a frameshift and premature protein termination (p.Ile664Serfs*38). To our knowledge, this variant has not been reported in the literature or in a large population database, indicating this variant is rare. Currently the clinical significance of loss-of-function variants in CBL is uncertain. At this time, the clinical significance of this variant is uncertain due to the absence of conclusive functional and genetic evidence.

NM_005188.4(CBL):c.1986del (p.Ile664fs)

Gene: CBL (Cbl proto-oncogene; plus strand). Cytogenetic location: 11q23.3.
Variant type: Deletion.
Coding change: c.1986del on transcript NM_005188.4 (MANE Select); coding-DNA position 1986, one base deleted (C; older notation c.1986delC).
Protein change: p.Ile664fs; shifts the reading frame from isoleucine 664.
Molecular consequence: frameshift variant.
Genome position (GRCh38, 1-based): chr11:119,287,896, C deleted; the last of 4 consecutive C bases (chr11:119,287,893-119,287,896); deleting any one gives the same sequence. VCF-style (leftmost placement, unchanged base first): chr11-119287892-AC-A. GRCh37 (hg19) VCF-style: chr11-119158602-AC-A.
Other names: short protein forms I664fs.
Identifiers: ClinVar variation 2632695 (VCV002632695.3), dbSNP rs2496956820, ClinGen allele CA2695199040.
Genomic context (GRCh38, chr11:119,287,892, plus strand): 5'-CACTTTTCTTTACTTTCCAGAGTATGAATAGCAGCCCATTAGTAGGTCCAGAGTGTGACC[AC>A]CCCAAAATCAAACCTTCCTCATCTGCCAATGCCATTTATTCTCTGGCTGCCAGGTAAGTC-3'